The following is an entry in ClinVar:

NM_000219.6(KCNE1):c.356A>G (p.Asn119Ser)

Gene: KCNE1 (potassium voltage-gated channel subfamily E regulatory subunit 1; minus strand). Cytogenetic location: 21q22.12.
Variant type: single nucleotide variant.
Coding change: c.356A>G on transcript NM_000219.6 (MANE Select); coding-DNA position 356, A replaced by G.
Protein change: p.Asn119Ser; replaces asparagine 119 with serine.
Molecular consequence: missense variant.
Genome position (GRCh38, 1-based): chr21:34,449,279, T>C on the plus strand (A>G on the coding strand, the complement: KCNE1 is on the minus strand). VCF-style: chr21-34449279-T-C. GRCh37 (hg19) VCF-style: chr21-35821577-T-C.
Other names: c.356A>G, p.Asn119Ser (NM_001127668.4, NM_001127669.4, NM_001127670.4 and 4 more transcripts); short protein forms N119S.
Identifiers: ClinVar variation 3373798 (VCV003373798.2).
Genomic context (GRCh38, chr21:34,449,279, plus strand): 5'-TGTCCAGTTTTAGCCAGTGGTGGGGTTCATGGGGAAGGCTTCGTCTCAGGAAGGTGTGTG[T>C]TGGGTTGTTCTATGGCCAGATGGTTTTCAACGACATAGCACGACCTGTAGCTCTCCAGGA-3'
Protein context (NP_000210.2, residues 109-129): VENHLAIEQP[Asn119Ser]THLPETKPSP

Conditions:
Long QT syndrome 5 (LQT5). Identifiers: Orphanet 101016, Orphanet 768, MedGen C1867904, MONDO:0013372, OMIM 613695.

Submission:

Roden Lab, Vanderbilt University Medical Center
No classification provided (evidence only). Condition: Long QT syndrome 5. Review status: no classification provided. Collection method: in vitro. Allele origin: not applicable. Functional consequence: Effect on ion channel function.
ClinVar note: "not provided" was previously submitted as the classification for the variant. However, the classification appeared to be based only on an observation of functional data so it was converted to no classification on 2025-07-30.